The following is an entry in ClinVar:

NM_001369268.1(ACAN):c.2024G>A (p.Arg675Gln)

Gene: ACAN (aggrecan; plus strand). Cytogenetic location: 15q26.1.
Variant type: single nucleotide variant.
Coding change: c.2024G>A on transcript NM_001369268.1 (MANE Select); coding-DNA position 2024, G replaced by A.
Protein change: p.Arg675Gln; replaces arginine 675 with glutamine.
Molecular consequence: missense variant.
Genome position (GRCh38, 1-based): chr15:88,849,729, G>A. VCF-style: chr15-88849729-G-A. GRCh37 (hg19) VCF-style: chr15-89392960-G-A.
Other names: c.2024G>A, p.Arg675Gln (NM_001135.4, NM_013227.4); c.2024G>A (NM_013227.3); short protein forms R675Q.
Identifiers: ClinVar variation 1541031 (VCV001541031.13), dbSNP rs35102652, ClinGen allele CA7719758.

ClinVar aggregate classification (germline): Conflicting classifications of pathogenicity. Review status: criteria provided, conflicting classifications (1 of 4 stars). 4 submissions from 4 submitters: Uncertain significance (2); Likely benign (1). 1 of the submissions does not count toward it. Last evaluated 2026-01-20.

Conditions:
ACAN-related disorder. Also called: ACAN-related disorders; ACAN-related condition.
Inborn genetic diseases. Identifiers: MedGen C0950123, MeSH D030342.

Allele frequency attached by ClinVar (database versions not stated): ESP Exome Variant Server 0.00049; gnomAD 0.00068 and 0.00072; TOPMed 0.00077; 1000 Genomes Project 30x 0.00094; 1000 Genomes Project 0.00100.

Submissions (4):

Labcorp Genetics (formerly Invitae), Labcorp
Classification: Likely benign. Last evaluated: 2026-01-20. Review status: criteria provided, single submitter. Criteria: Invitae Variant Classification Sherloc (09022015). Collection method: clinical testing. Allele origin: germline.

Ambry Genetics
Classification: Uncertain significance for Inborn genetic diseases. Last evaluated: 2024-12-11. Review status: criteria provided, single submitter. Criteria: Ambry Variant Classification Scheme 2023. Collection method: clinical testing. Allele origin: germline.

Revvity Omics, Revvity
Classification: Uncertain significance. Last evaluated: 2020-03-31. Review status: criteria provided, single submitter. Criteria: ACMG Guidelines, 2015. Collection method: clinical testing. Allele origin: germline.

PreventionGenetics, part of Exact Sciences
Classification: Likely benign for ACAN-related condition. Last evaluated: 2022-05-16. Review status: no assertion criteria provided. Collection method: clinical testing. Allele origin: germline. Not counted in ClinVar's aggregate classification.
Comment: This variant is classified as likely benign based on ACMG/AMP sequence variant interpretation guidelines (Richards et al. 2015 PMID: 25741868, with internal and published modifications).